The following is an entry in ClinVar:

NM_000361.3(THBD):c.1196A>C (p.His399Pro)

Gene: THBD (thrombomodulin; minus strand). Cytogenetic location: 20p11.21.
Variant type: single nucleotide variant.
Coding change: c.1196A>C on transcript NM_000361.3 (MANE Select); coding-DNA position 1196, A replaced by C.
Protein change: p.His399Pro; replaces histidine 399 with proline.
Molecular consequence: missense variant.
Genome position (GRCh38, 1-based): chr20:23,048,309, T>G on the plus strand (A>C on the coding strand, the complement: THBD is on the minus strand). VCF-style: chr20-23048309-T-G. GRCh37 (hg19) VCF-style: chr20-23028946-T-G.
Other names: short protein forms H399P.
Identifiers: ClinVar variation 4280583 (VCV004280583.1).

ClinVar aggregate classification (germline): Uncertain significance (1 of 4 stars; one submission).

Conditions:
Thrombomodulin-related bleeding disorder (THPH12). Also called: Thrombophilia due to thrombomodulin defect. Identifiers: Orphanet 436169, MedGen C3280976, MONDO:0013775, OMIM 614486.

Submission:

Genomenon, Inc
Classification: Uncertain significance for Thrombomodulin-related bleeding disorder. Last evaluated: 2025-09-22. Review status: criteria provided, single submitter. Criteria: Genomenon Sequence Variant Interpretation Standards - Updated. Collection method: curation. Allele origin: germline. Affected: no.
Comment: THBD p.His399Pro (c.1196A>C) is a missense variant that changes the amino acid at residue 399 from Histidine to Proline. This variant has been reported in the published literature (PMID:7559494). It is absent or not present at a significant frequency in gnomAD. In silico models agree that this variant is not damaging. In conclusion, we classify THBD p.His399Pro (c.1196A>C) as a variant of unknown significance.

Literature cited by the submitters: PubMed 7559494.